The following is an entry in ClinVar:

NM_001267550.2(TTN):c.437G>A (p.Ser146Asn)

Gene: TTN (titin; minus strand). Cytogenetic location: 2q31.2.
Variant type: single nucleotide variant.
Coding change: c.437G>A on transcript NM_001267550.2 (MANE Select); coding-DNA position 437, G replaced by A.
Protein change: p.Ser146Asn; replaces serine 146 with asparagine.
Molecular consequence: missense variant.
Genome position (GRCh38, 1-based): chr2:178,800,541, C>T on the plus strand (G>A on the coding strand, the complement: TTN is on the minus strand). VCF-style: chr2-178800541-C-T. GRCh37 (hg19) VCF-style: chr2-179665268-C-T.
Other names: c.437G>A, p.Ser146Asn (NM_001256850.1, NM_003319.4, NM_133378.4 and 3 more transcripts); short protein forms S146N.
Identifiers: ClinVar variation 1284734 (VCV001284734.5), dbSNP rs1029708061, ClinGen allele CA349527941.
Genomic context (GRCh38, chr2:178,800,541, plus strand): 5'-GCTTCTGCAATCAGTAAGCTGTAGAGGTCGCCTTCTTGTGAAATTTGGAAATCAAGGGAG[C>T]TCTGGATTTCGGCTCCATCCCGGTAGAACTTCACCACAGGTGTAGGGATTCCAGTCACTC-3'
Protein context (NP_001254479.2, residues 136-156): KFYRDGAEIQ[Ser146Asn]SLDFQISQEG

ClinVar aggregate classification (germline): Uncertain significance. Review status: criteria provided, single submitter (1 of 4 stars). 3 submissions from 3 submitters: Uncertain significance (1). 2 of the submissions do not count toward it. Last evaluated 2019-05-03.

Allele frequency attached by ClinVar (database versions not stated): gnomAD exomes below 0.00001.
gnomAD v4.1: 5 of 1,614,140 alleles (0.00031%); highest among the groups gnomAD compares: African/African-American, 0.0013%; no homozygotes.

Submissions (3):

GeneDx
Classification: Uncertain significance. Last evaluated: 2019-05-03. Review status: criteria provided, single submitter. Criteria: GeneDx Variant Classification Process June 2021. Collection method: clinical testing. Allele origin: germline. Affected: yes.
Comment: Not observed at a significant frequency in large population cohorts (Lek et al., 2016); Missense variant in a gene in which most reported pathogenic variants are truncating/loss-of-function; Has not been previously published as pathogenic or benign to our knowledge

Clinical Genetics DNA and cytogenetics Diagnostics Lab, Erasmus MC, Erasmus Medical Center
Classification: Uncertain significance. Review status: no assertion criteria provided. Collection method: clinical testing. Allele origin: germline. Affected: yes. Study: VKGL Data-share Consensus. Not counted in ClinVar's aggregate classification.

Clinical Genetics, Academic Medical Center
Classification: Uncertain significance. Review status: no assertion criteria provided. Collection method: clinical testing. Allele origin: germline. Affected: yes. Study: VKGL Data-share Consensus. Not counted in ClinVar's aggregate classification.